The following is an entry in ClinVar:

ClinVar aggregate classification (germline): Conflicting classifications of pathogenicity. Review status: criteria provided, conflicting classifications (1 of 4 stars). 2 submissions from 2 submitters: Uncertain significance (1); Likely benign (1). Last evaluated 2023-03-04.

Conditions:
Hereditary spastic paraplegia 8 (SPG8). Also called: SPASTIC PARAPLEGIA 8, AUTOSOMAL DOMINANT. Identifiers: Orphanet 100989, MedGen C1863704, MONDO:0011339, OMIM 603563.
Ritscher-Schinzel syndrome. Also called: CRANIOCEREBELLOCARDIAC DYSPLASIA. Identifiers: Orphanet 7, MedGen C0796137, MONDO:0019078.

Allele frequency attached by ClinVar (database versions not stated): gnomAD exomes 0.00010; gnomAD 0.00001; ExAC 0.00013; TOPMed 0.00005.

Submissions (2):

Labcorp Genetics (formerly Invitae), Labcorp
Classification: Uncertain significance for Ritscher-Schinzel syndrome; Hereditary spastic paraplegia 8. Last evaluated: 2023-03-04. Review status: criteria provided, single submitter. Criteria: Invitae Variant Classification Sherloc (09022015). Collection method: clinical testing. Allele origin: germline.
Comment: This variant is present in population databases (rs775752911, gnomAD 0.07%). This sequence change replaces proline, which is neutral and non-polar, with alanine, which is neutral and non-polar, at codon 1040 of the WASHC5 protein (p.Pro1040Ala). This variant has not been reported in the literature in individuals affected with WASHC5-related conditions. ClinVar contains an entry for this variant (Variation ID: 911128). Advanced modeling of protein sequence and biophysical properties (such as structural, functional, and spatial information, amino acid conservation, physicochemical variation, residue mobility, and thermodynamic stability) performed at Invitae indicates that this missense variant is not expected to disrupt WASHC5 protein function. In summary, the available evidence is currently insufficient to determine the role of this variant in disease. Therefore, it has been classified as a Variant of Uncertain Significance.

Illumina Laboratory Services, Illumina
Classification: Likely benign for Hereditary spastic paraplegia 8. Last evaluated: 2018-01-13. Review status: criteria provided, single submitter. Criteria: ICSL Variant Classification Criteria 13 December 2019. Collection method: clinical testing. Allele origin: germline.
Comment: This variant was observed in the ICSL laboratory as part of a predisposition screen in an ostensibly healthy population. It had not been previously curated by ICSL or reported in the Human Gene Mutation Database (HGMD: prior to June 1st, 2018), and was therefore a candidate for classification through an automated scoring system. Utilizing variant allele frequency, disease prevalence and penetrance estimates, and inheritance mode, an automated score was calculated to assess if this variant is too frequent to cause the disease. Based on the score and internal cut-off values, a variant classified as likely benign is not then subjected to further curation. The score for this variant resulted in a classification of likely benign for this disease.

NM_014846.4(WASHC5):c.3118C>G (p.Pro1040Ala)

Gene: WASHC5 (WASH complex subunit 5; minus strand). Cytogenetic location: 8q24.13.
Variant type: single nucleotide variant.
Coding change: c.3118C>G on transcript NM_014846.4 (MANE Select); coding-DNA position 3118, C replaced by G.
Protein change: p.Pro1040Ala; replaces proline 1040 with alanine.
Molecular consequence: missense variant.
Genome position (GRCh38, 1-based): chr8:125,037,300, G>C on the plus strand (C>G on the coding strand, the complement: WASHC5 is on the minus strand). VCF-style: chr8-125037300-G-C. GRCh37 (hg19) VCF-style: chr8-126049542-G-C.
Other names: c.2674C>G, p.Pro892Ala (NM_001330609.2); short protein forms P892A, P1040A.
Identifiers: ClinVar variation 911128 (VCV000911128.9), dbSNP rs775752911, ClinGen allele CA4873307.